The following is an entry in ClinVar:

ClinVar aggregate classification (germline): Uncertain significance. Review status: criteria provided, multiple submitters, no conflicts (2 of 4 stars). 3 submissions from 3 submitters: Uncertain significance (3). Last evaluated 2025-03-14.

Conditions:
FAT1-related disorder. Also called: FAT1-related condition.
Inborn genetic diseases. Identifiers: MedGen C0950123, MeSH D030342.

Allele frequency attached by ClinVar (database versions not stated): ExAC 0.00004; gnomAD exomes 0.00002; TOPMed 0.00002.
gnomAD v4.1: 11 of 1,607,382 alleles (0.00068%); highest among the groups gnomAD compares: Admixed American, 0.019%; no homozygotes.

Submissions (3):

Ambry Genetics
Classification: Uncertain significance for Inborn genetic diseases. Last evaluated: 2025-03-14. Review status: criteria provided, single submitter. Criteria: Ambry Variant Classification Scheme 2023. Collection method: clinical testing. Allele origin: germline.

PreventionGenetics, part of Exact Sciences
Classification: Uncertain significance for FAT1-related condition. Last evaluated: 2022-11-23. Review status: criteria provided, single submitter. Criteria: ACMG Guidelines, 2015. Collection method: clinical testing. Allele origin: germline.
Comment: The FAT1 c.11641A>C variant is predicted to result in the amino acid substitution p.Ile3881Leu. To our knowledge, this variant has not been reported in the literature. This variant is reported in 0.033% of alleles in individuals of Latino descent in gnomAD. At this time, the clinical significance of this variant is uncertain due to the absence of conclusive functional and genetic evidence.

Labcorp Genetics (formerly Invitae), Labcorp
Classification: Uncertain significance. Last evaluated: 2022-02-19. Review status: criteria provided, single submitter. Criteria: Invitae Variant Classification Sherloc (09022015). Collection method: clinical testing. Allele origin: germline.
Comment: This variant has not been reported in the literature in individuals affected with FAT1-related conditions. In summary, the available evidence is currently insufficient to determine the role of this variant in disease. Therefore, it has been classified as a Variant of Uncertain Significance. Algorithms developed to predict the effect of missense changes on protein structure and function are either unavailable or do not agree on the potential impact of this missense change (SIFT: "Deleterious"; PolyPhen-2: "Benign"; Align-GVGD: "Class C0"). This variant is present in population databases (rs780268191, gnomAD 0.03%). This sequence change replaces isoleucine, which is neutral and non-polar, with leucine, which is neutral and non-polar, at codon 3881 of the FAT1 protein (p.Ile3881Leu).

NM_005245.4(FAT1):c.11641A>C (p.Ile3881Leu)

Gene: FAT1 (FAT atypical cadherin 1; minus strand). Cytogenetic location: 4q35.2.
Variant type: single nucleotide variant.
Coding change: c.11641A>C on transcript NM_005245.4 (MANE Select); coding-DNA position 11641, A replaced by C.
Protein change: p.Ile3881Leu; replaces isoleucine 3881 with leucine.
Molecular consequence: missense variant.
Genome position (GRCh38, 1-based): chr4:186,600,360, T>G on the plus strand (A>C on the coding strand, the complement: FAT1 is on the minus strand). VCF-style: chr4-186600360-T-G. GRCh37 (hg19) VCF-style: chr4-187521514-T-G.
Other names: c.11641A>C (NM_005245.3); short protein forms I3881L.
Identifiers: ClinVar variation 2078102 (VCV002078102.6), dbSNP rs780268191, ClinGen allele CA3165035.